The following is an entry in ClinVar:

NM_198904.4(GABRG2):c.1367_1370del (p.Phe456fs)

Gene: GABRG2 (gamma-aminobutyric acid type A receptor subunit gamma2; plus strand). Cytogenetic location: 5q34.
Variant type: Deletion.
Coding change: c.1367_1370del on transcript NM_198904.4 (MANE Select); coding-DNA positions 1367 to 1370, 4 bases deleted (TCTT; older notation c.1367_1370delTCTT).
Protein change: p.Phe456fs; shifts the reading frame from phenylalanine 456.
Molecular consequence: frameshift variant. On other transcripts: 3 prime UTR variant (1).
Genome position (GRCh38, 1-based): chr5:162,153,307-162,153,310, TCTT deleted; deleting any 4 consecutive bases within chr5:162,153,306-162,153,310 gives the same sequence; the c. name uses the placement nearest the transcript's 3' end. VCF-style (leftmost placement, unchanged base first): chr5-162153305-CTTCT-C. GRCh37 (hg19) VCF-style: chr5-161580311-CTTCT-C.
Other names: c.1343_1346del, p.Phe448fs (NM_000816.3); c.1358_1361del, p.Phe453fs (NM_001375339.1); c.*201_*204del (NM_001375340.1); c.1364_1367del, p.Phe455fs (NM_001375341.1); c.1340_1343del, p.Phe447fs (NM_001375342.1); c.1463_1466del, p.Phe488fs (NM_001375343.1); c.1406_1409del, p.Phe469fs (NM_001375344.1); c.1277_1280del, p.Phe426fs (NM_001375345.1); and 6 more; short protein forms F426fs, F447fs, F469fs, F427fs, F448fs, F455fs, F488fs, F496fs.
Identifiers: ClinVar variation 2922637 (VCV002922637.3), dbSNP rs2532775906, ClinGen allele CA2740094180.

ClinVar aggregate classification (germline): Pathogenic (1 of 4 stars; one submission).

Conditions:
Febrile seizures, familial, 8 (FEB8). Also called: CONVULSIONS, FAMILIAL FEBRILE, 8. Identifiers: Orphanet 36387, MedGen C1969810, MONDO:0011891, OMIM 607681.
EPILEPSY, CHILDHOOD ABSENCE, SUSCEPTIBILITY TO, 2 (ECA2). Identifiers: Orphanet 64280, MedGen C1843244, OMIM 607681.

Submission:

Labcorp Genetics (formerly Invitae), Labcorp
Classification: Pathogenic for Febrile seizures, familial, 8; EPILEPSY, CHILDHOOD ABSENCE, SUSCEPTIBILITY TO, 2. Last evaluated: 2024-03-15. Review status: criteria provided, single submitter. Criteria: Invitae Variant Classification Sherloc (09022015). Collection method: clinical testing. Allele origin: germline.
Comment: This sequence change results in a frameshift in the GABRG2 gene (p.Phe448Serfs*46). While this is not anticipated to result in nonsense mediated decay, it is expected to disrupt the last 20 amino acid(s) of the GABRG2 protein and extend the protein by 25 additional amino acid residues. This variant is not present in population databases (gnomAD no frequency). This frameshift has been observed in individual(s) with GABRG2-related conditions (Invitae). In at least one individual the variant was observed to be de novo. This variant results in an extension of the GABRG2 protein. Other variant(s) that result in a similarly extended protein product (p.Val462Serfs*33) have been observed in individuals with GABRG2-related disease (PMID: 27066572). This suggests that these extensions may be clinically significant. For these reasons, this variant has been classified as Pathogenic.

Literature cited by the submitters: PubMed 27066572.